The following is an entry in ClinVar:

NM_018249.6(CDK5RAP2):c.4733C>T (p.Ser1578Leu)

Gene: CDK5RAP2 (CDK5 regulatory subunit associated protein 2; minus strand). Cytogenetic location: 9q33.2.
Variant type: single nucleotide variant.
Coding change: c.4733C>T on transcript NM_018249.6 (MANE Select); coding-DNA position 4733, C replaced by T.
Protein change: p.Ser1578Leu; replaces serine 1578 with leucine.
Molecular consequence: missense variant. On other transcripts: non-coding transcript variant (5), intron variant (1).
Genome position (GRCh38, 1-based): chr9:120,407,242, G>A on the plus strand (C>T on the coding strand, the complement: CDK5RAP2 is on the minus strand). VCF-style: chr9-120407242-G-A. GRCh37 (hg19) VCF-style: chr9-123169520-G-A.
Other names: c.4043C>T, p.Ser1348Leu (NM_001272039.2); c.4726+1105C>T (NM_001011649.3); c.4733C>T (NM_018249.5); short protein forms S1348L, S1578L.
Identifiers: ClinVar variation 1203304 (VCV001203304.9), dbSNP rs138510304, ClinGen allele CA5213451.

ClinVar aggregate classification (germline): Uncertain significance. Review status: criteria provided, multiple submitters, no conflicts (2 of 4 stars). 3 submissions from 3 submitters: Uncertain significance (2). 1 of the submissions does not count toward it. Last evaluated 2025-01-21.

Conditions:
CDK5RAP2-related disorder. Also called: CDK5RAP2-related condition.

Allele frequency attached by ClinVar (database versions not stated): gnomAD exomes 0.00006 and 0.00014; 1000 Genomes Project 30x 0.00016; ExAC 0.00018; 1000 Genomes Project 0.00020; gnomAD 0.00057 and 0.00063; ESP Exome Variant Server 0.00069; TOPMed 0.00076.
gnomAD v4.1: 182 of 1,610,912 alleles (0.011%); highest among the groups gnomAD compares: African/African-American, 0.2%; no homozygotes.

Submissions (3):

Labcorp Genetics (formerly Invitae), Labcorp
Classification: Uncertain significance. Last evaluated: 2025-01-21. Review status: criteria provided, single submitter. Criteria: Invitae Variant Classification Sherloc (09022015). Collection method: clinical testing. Allele origin: germline.
Comment: This sequence change replaces serine, which is neutral and polar, with leucine, which is neutral and non-polar, at codon 1578 of the CDK5RAP2 protein (p.Ser1578Leu). This variant is present in population databases (rs138510304, gnomAD 0.2%). This variant has not been reported in the literature in individuals affected with CDK5RAP2-related conditions. ClinVar contains an entry for this variant (Variation ID: 1203304). An algorithm developed to predict the effect of missense changes on protein structure and function outputs the following: PolyPhen-2: "Benign". The leucine amino acid residue is found in multiple mammalian species, which suggests that this missense change does not adversely affect protein function. Algorithms developed to predict the effect of sequence changes on RNA splicing suggest that this variant may disrupt the consensus splice site. In summary, the available evidence is currently insufficient to determine the role of this variant in disease. Therefore, it has been classified as a Variant of Uncertain Significance.

GeneDx
Classification: Uncertain significance. Last evaluated: 2019-10-16. Review status: criteria provided, single submitter. Criteria: GeneDx Variant Classification Process June 2021. Collection method: clinical testing. Allele origin: germline. Affected: yes.
Comment: In silico analysis, which includes protein predictors and evolutionary conservation, supports a deleterious effect; Has not been previously published as pathogenic or benign to our knowledge

PreventionGenetics, part of Exact Sciences
Classification: Likely benign for CDK5RAP2-related condition. Last evaluated: 2022-05-17. Review status: no assertion criteria provided. Collection method: clinical testing. Allele origin: germline. Not counted in ClinVar's aggregate classification.
Comment: This variant is classified as likely benign based on ACMG/AMP sequence variant interpretation guidelines (Richards et al. 2015 PMID: 25741868, with internal and published modifications).